The following is an entry in ClinVar:

NM_005359.6(SMAD4):c.1342C>G (p.Gln448Glu)

Gene: SMAD4 (SMAD family member 4; plus strand). Cytogenetic location: 18q21.2.
Variant type: single nucleotide variant.
Coding change: c.1342C>G on transcript NM_005359.6 (MANE Select); coding-DNA position 1342, C replaced by G.
Protein change: p.Gln448Glu; replaces glutamine 448 with glutamic acid.
Molecular consequence: missense variant.
Genome position (GRCh38, 1-based): chr18:51,076,671, C>G. VCF-style: chr18-51076671-C-G. GRCh37 (hg19) VCF-style: chr18-48603041-C-G.
Other names: short protein forms Q448E.
Identifiers: ClinVar variation 662465 (VCV000662465.15), dbSNP rs377767361, ClinGen allele CA402465177.

ClinVar aggregate classification (germline): Uncertain significance. Review status: criteria provided, multiple submitters, no conflicts (2 of 4 stars). 2 submissions from 2 submitters: Uncertain significance (2). Last evaluated 2026-01-13.

Conditions:
Hereditary cancer-predisposing syndrome. Also called: Neoplastic Syndromes, Hereditary; Hereditary neoplastic syndrome; Tumor predisposition; Hereditary Cancer Syndrome. Identifiers: Orphanet 140162, MedGen C0027672, MeSH D009386, MONDO:0015356.
Familial thoracic aortic aneurysm and aortic dissection (TAAD). Also called: Thoracic aortic aneurysms and dissections. Identifiers: Orphanet 91387, MedGen C4707243, MONDO:0019625.
Juvenile polyposis syndrome (JPS). Identifiers: Orphanet 2929, MedGen C0345893, MONDO:0017380, OMIM 174900.

Submissions (2):

Labcorp Genetics (formerly Invitae), Labcorp
Classification: Uncertain significance for Juvenile polyposis syndrome. Last evaluated: 2026-01-13. Review status: criteria provided, single submitter. Criteria: Invitae Variant Classification Sherloc (09022015). Collection method: clinical testing. Allele origin: germline.
Comment: This sequence change replaces glutamine, which is neutral and polar, with glutamic acid, which is acidic and polar, at codon 448 of the SMAD4 protein (p.Gln448Glu). This variant is not present in population databases (gnomAD no frequency). This variant has not been reported in the literature in individuals affected with SMAD4-related conditions. ClinVar contains an entry for this variant (Variation ID: 662465). Invitae Evidence Modeling of protein sequence and biophysical properties (such as structural, functional, and spatial information, amino acid conservation, physicochemical variation, residue mobility, and thermodynamic stability) has been performed for this missense variant. However, the output from this modeling did not meet the statistical confidence thresholds required to predict the impact of this variant on SMAD4 protein function. In summary, the available evidence is currently insufficient to determine the role of this variant in disease. Therefore, it has been classified as a Variant of Uncertain Significance.

Ambry Genetics
Classification: Uncertain significance for Hereditary cancer-predisposing syndrome; Familial thoracic aortic aneurysm and aortic dissection. Last evaluated: 2024-11-20. Review status: criteria provided, single submitter. Criteria: Ambry Variant Classification Scheme 2023. Collection method: clinical testing. Allele origin: germline.
Comment: The p.Q448E variant (also known as c.1342C>G), located in coding exon 10 of the SMAD4 gene, results from a C to G substitution at nucleotide position 1342. The glutamine at codon 448 is replaced by glutamic acid, an amino acid with highly similar properties. This amino acid position is highly conserved in available vertebrate species. In addition, this alteration is predicted to be deleterious by in silico analysis. Since supporting evidence is limited at this time, the clinical significance of this alteration remains unclear.